The following is an entry in ClinVar:

ClinVar aggregate classification (germline): Benign (1 of 4 stars; one submission).

Allele frequency attached by ClinVar (database versions not stated): 1000 Genomes Project 0.00399; 1000 Genomes Project 30x 0.00437; TOPMed 0.00622; gnomAD 0.00744; ExAC 0.00760; ESP Exome Variant Server 0.00809.
gnomAD v4.1: 14,555 of 1,613,150 alleles (0.9%); highest among the groups gnomAD compares: Non-Finnish European, 1.1%; 95 homozygotes.

Submission:

CeGaT Center for Human Genetics Tuebingen
Classification: Benign. Last evaluated: 2023-12-01. Review status: criteria provided, single submitter. Criteria: CeGaT Center For Human Genetics Tuebingen Variant Classification Criteria Version 2. Collection method: clinical testing. Allele origin: germline. Affected: yes. Observed: 1 variant allele.
Comment: CR1: BP4, BS1, BS2

NM_000651.6(CR1):c.313C>T (p.Arg105Cys)

Gene: CR1 (complement C3b/C4b receptor 1 (Knops blood group); plus strand). Cytogenetic location: 1q32.2.
Variant type: single nucleotide variant.
Coding change: c.313C>T on transcript NM_000651.6 (MANE Select); coding-DNA position 313, C replaced by T.
Protein change: p.Arg105Cys; replaces arginine 105 with cysteine.
Molecular consequence: missense variant.
Genome position (GRCh38, 1-based): chr1:207,506,725, C>T. VCF-style: chr1-207506725-C-T. GRCh37 (hg19) VCF-style: chr1-207680070-C-T.
Other names: c.313C>T, p.Arg105Cys (NM_000573.4, NM_001381851.1); short protein forms R105C.
Identifiers: ClinVar variation 3024765 (VCV003024765.22), dbSNP rs11587944, ClinGen allele CA1369353.
Genomic context (GRCh38, chr1:207,506,725, plus strand): 5'-GTTTTTAGTTTACTCTACTTGGCTCCAAAATTCTGTTTCTTTCCTGTAGGTAAATCATGT[C>T]GTAATCCTCCAGATCCTGTGAATGGCATGGTGCATGTGATCAAAGGCATCCAGTTCGGAT-3'
Protein context (NP_000642.3, residues 95-115): AKDRCRRKSC[Arg105Cys]NPPDPVNGMV